The following is an entry in ClinVar:

ClinVar aggregate classification (germline): Conflicting classifications of pathogenicity. Review status: criteria provided, conflicting classifications (1 of 4 stars). 3 submissions from 3 submitters: Uncertain significance (1); Benign (1); Likely benign (1). Last evaluated 2024-12-13.

Conditions:
TSPAN12-related disorder. Also called: TSPAN12-related condition.
Exudative vitreoretinopathy 5 (EVR5). Identifiers: Orphanet 891, MedGen C2750079, MONDO:0013218, OMIM 613310.

Allele frequency attached by ClinVar (database versions not stated): gnomAD 0.00003 and 0.00002; TOPMed 0.00003; gnomAD exomes 0.00004 and 0.00005; ExAC 0.00006.
gnomAD v4.1: 72 of 1,613,210 alleles (0.0045%); highest among the groups gnomAD compares: East Asian, 0.16%; 1 homozygote.

Submissions (3):

PreventionGenetics, part of Exact Sciences
Classification: Likely benign for TSPAN12-related condition. Last evaluated: 2024-12-13. Review status: criteria provided, single submitter. Criteria: ACMG Guidelines, 2015. Collection method: clinical testing. Allele origin: germline.
Comment: This variant is classified as likely benign based on ACMG/AMP sequence variant interpretation guidelines (Richards et al. 2015 PMID: 25741868, with internal and published modifications).

Labcorp Genetics (formerly Invitae), Labcorp
Classification: Uncertain significance. Last evaluated: 2024-08-22. Review status: criteria provided, single submitter. Criteria: Invitae Variant Classification Sherloc (09022015). Collection method: clinical testing. Allele origin: germline.
Comment: This sequence change replaces valine, which is neutral and non-polar, with isoleucine, which is neutral and non-polar, at codon 162 of the TSPAN12 protein (p.Val162Ile). This variant is present in population databases (rs774728139, gnomAD 0.06%). This variant has not been reported in the literature in individuals affected with TSPAN12-related conditions. ClinVar contains an entry for this variant (Variation ID: 911499). Invitae Evidence Modeling of protein sequence and biophysical properties (such as structural, functional, and spatial information, amino acid conservation, physicochemical variation, residue mobility, and thermodynamic stability) indicates that this missense variant is not expected to disrupt TSPAN12 protein function with a negative predictive value of 80%. In summary, the available evidence is currently insufficient to determine the role of this variant in disease. Therefore, it has been classified as a Variant of Uncertain Significance.

Illumina Laboratory Services, Illumina
Classification: Benign for Exudative vitreoretinopathy 5. Last evaluated: 2017-04-27. Review status: criteria provided, single submitter. Criteria: ICSL Variant Classification Criteria 13 December 2019. Collection method: clinical testing. Allele origin: germline.
Comment: This variant was observed as part of a predisposition screen in an ostensibly healthy population. A literature search was performed for the gene, cDNA change, and amino acid change (where applicable). Publications were found based on this search. The evidence from the literature, in combination with allele frequency data from public databases where available, was sufficient to rule this variant out of causing disease. Therefore, this variant is classified as benign.

Literature cited by the submitters: PubMed 28002565 (cited by Illumina Laboratory Services, Illumina).

NM_012338.4(TSPAN12):c.484G>A (p.Val162Ile)

Gene: TSPAN12 (tetraspanin 12; minus strand). Cytogenetic location: 7q31.31.
Variant type: single nucleotide variant.
Coding change: c.484G>A on transcript NM_012338.4 (MANE Select); coding-DNA position 484, G replaced by A.
Protein change: p.Val162Ile; replaces valine 162 with isoleucine.
Molecular consequence: missense variant.
Genome position (GRCh38, 1-based): chr7:120,806,677, C>T on the plus strand (G>A on the coding strand, the complement: TSPAN12 is on the minus strand). VCF-style: chr7-120806677-C-T. GRCh37 (hg19) VCF-style: chr7-120446731-C-T.
Other names: short protein forms V162I.
Identifiers: ClinVar variation 911499 (VCV000911499.9), dbSNP rs774728139, ClinGen allele CA4453869.